The following is an entry in ClinVar:

NM_001365999.1(SZT2):c.8710del (p.Arg2904fs)

Gene: SZT2 (SZT2 subunit of KICSTOR complex; plus strand). Cytogenetic location: 1p34.2.
Variant type: Deletion.
Coding change: c.8710del on transcript NM_001365999.1 (MANE Select); coding-DNA position 8710, one base deleted (C; older notation c.8710delC).
Protein change: p.Arg2904fs; shifts the reading frame from arginine 2904.
Molecular consequence: frameshift variant.
Genome position (GRCh38, 1-based): chr1:43,443,681, C deleted; the last of 3 consecutive C bases (chr1:43,443,679-43,443,681); deleting any one gives the same sequence. VCF-style (leftmost placement, unchanged base first): chr1-43443678-GC-G. GRCh37 (hg19) VCF-style: chr1-43909349-GC-G.
Other names: c.8539del, p.Arg2847fs (NM_015284.4); short protein forms R2847fs, R2904fs.
Identifiers: ClinVar variation 934082 (VCV000934082.7), dbSNP rs1655343130, ClinGen allele CA1139656082.

ClinVar aggregate classification (germline): Pathogenic (1 of 4 stars; one submission).

Submission:

Labcorp Genetics (formerly Invitae), Labcorp
Classification: Pathogenic. Last evaluated: 2022-02-08. Review status: criteria provided, single submitter. Criteria: Invitae Variant Classification Sherloc (09022015). Collection method: clinical testing. Allele origin: germline.
Comment: For these reasons, this variant has been classified as Pathogenic. Algorithms developed to predict the effect of sequence changes on RNA splicing suggest that this variant may create or strengthen a splice site. ClinVar contains an entry for this variant (Variation ID: 934082). This variant has not been reported in the literature in individuals affected with SZT2-related conditions. This variant is not present in population databases (gnomAD no frequency). This sequence change creates a premature translational stop signal (p.Arg2847Valfs*6) in the SZT2 gene. It is expected to result in an absent or disrupted protein product. Loss-of-function variants in SZT2 are known to be pathogenic (PMID: 23932106, 27248490, 28556953).

Literature cited by the submitters: PubMed 23932106; PubMed 27248490; PubMed 28556953.